The following is an entry in ClinVar:

ClinVar aggregate classification (germline): Pathogenic/Likely pathogenic. Review status: criteria provided, multiple submitters, no conflicts (2 of 4 stars). 8 submissions from 8 submitters: Pathogenic (6); Likely pathogenic (1). 1 of the submissions does not count toward it. Last evaluated 2025-11-09.

Conditions:
Medium-chain acyl-coenzyme A dehydrogenase deficiency (ACADMD). Also called: MCAD Deficiency; ACADM DEFICIENCY; MCADD; Medium chain acyl-CoA dehydrogenase deficiency; CARNITINE DEFICIENCY SECONDARY TO MEDIUM-CHAIN ACYL-CoA DEHYDROGENASE DEFICIENCY; MCADH DEFICIENCY. Identifiers: Orphanet 42, MedGen C0220710, MONDO:0008721, OMIM 201450.

Allele frequency attached by ClinVar (database versions not stated): gnomAD exomes 0.00001 and 0.00002; ExAC 0.00002.

Submissions (8):

Labcorp Genetics (formerly Invitae), Labcorp
Classification: Pathogenic for Medium-chain acyl-coenzyme A dehydrogenase deficiency. Last evaluated: 2025-11-09. Review status: criteria provided, single submitter. Criteria: Invitae Variant Classification Sherloc (09022015). Collection method: clinical testing. Allele origin: germline.
Comment: This sequence change creates a premature translational stop signal (p.Met328Ilefs*5) in the ACADM gene. It is expected to result in an absent or disrupted protein product. Loss-of-function variants in ACADM are known to be pathogenic (PMID: 16121256, 20434380). This variant is present in population databases (rs747610156, gnomAD 0.02%). This variant has not been reported in the literature in individuals affected with ACADM-related conditions. ClinVar contains an entry for this variant (Variation ID: 226096). For these reasons, this variant has been classified as Pathogenic.

Natera, Inc.
Classification: Pathogenic for Medium Chain Acyl-CoA Dehydrogenase Deficiency. Last evaluated: 2025-10-17. Review status: criteria provided, single submitter. Criteria: Natera Variant Classification Schema (03/2026). Collection method: clinical testing. Allele origin: germline.
Comment: The c.984delG variant in ACADM is a frameshift variant predicted to shift the reading frame beginning at codon 328 and leads to a stop codon 5 codons downstream. This variant is expected to result in nonsense mediated decay, truncation, or a dysfunctional protein product. This variant is rare in the general population with a frequency below the threshold expected for the associated phenotype(s). This variant has been observed in one or more individuals affected with the associated recessive disease, as either homozygous or compound heterozygous with a second variant (PMID: 40700042). Given the available evidence, this variant is classified as Pathogenic.

Women's Health and Genetics/Laboratory Corporation of America, LabCorp
Classification: Pathogenic for Medium-chain acyl-coenzyme A dehydrogenase deficiency. Last evaluated: 2025-03-26. Review status: criteria provided, single submitter. Criteria: LabCorp Variant Classification Summary - May 2015. Collection method: clinical testing. Allele origin: germline.
Comment: Variant summary: ACADM c.984delG (p.Met328IlefsX5) results in a premature termination codon, predicted to cause a truncation of the encoded protein or absence of the protein due to nonsense mediated decay, which are commonly known mechanisms for disease. The variant allele was found at a frequency of 2.4e-05 in 251364 control chromosomes (gnomAD). c.984delG has been reported in the literature in at least an individual affected with ACADM-related conditions (Fisher_2018). These data indicate that the variant may be associated with disease. To our knowledge, no experimental evidence demonstrating an impact on protein function has been reported. The following publication has been ascertained in the context of this evaluation (PMID: 29402417). ClinVar contains an entry for this variant (Variation ID: 226096). Based on the evidence outlined above, the variant was classified as pathogenic.

Baylor Genetics
Classification: Likely pathogenic for Medium-chain acyl-coenzyme A dehydrogenase deficiency. Last evaluated: 2024-02-16. Review status: criteria provided, single submitter. Criteria: ACMG Guidelines, 2015. Collection method: clinical testing. Allele origin: unknown.

GeneDx
Classification: Pathogenic. Last evaluated: 2020-12-03. Review status: criteria provided, single submitter. Criteria: GeneDx Variant Classification Process June 2021. Collection method: clinical testing. Allele origin: germline. Affected: yes.
Comment: Frameshift variant predicted to result in protein truncation or nonsense mediated decay in a gene for which loss-of-function is a known mechanism of disease; This variant is associated with the following publications: (PMID: 27054707, 29402417)

ARUP Laboratories, Molecular Genetics and Genomics, ARUP Laboratories
Classification: Pathogenic for Medium-chain acyl-coenzyme A dehydrogenase deficiency. Last evaluated: 2015-02-20. Review status: criteria provided, single submitter. Criteria: ACMG Guidelines, 2015. Collection method: clinical testing. Allele origin: germline. Inheritance: Autosomal recessive inheritance. Observed: 3 heterozygotes.

Neuberg Centre For Genomic Medicine, NCGM
Classification: Pathogenic for Medium-chain acyl-coenzyme A dehydrogenase deficiency. Review status: criteria provided, single submitter. Criteria: ACMG Guidelines, 2015. Collection method: clinical testing. Allele origin: germline. Inheritance: Autosomal recessive inheritance. Affected: yes.
Comment: The frameshift deletion p.M328Ifs*5 in ACADM (NM_000016.6) has been reported to Clin Var as Pathogenic/Likely Pathogenic. It has not been reported in literature in affected individuals. The p.M328Ifs*5 variant is observed in 6/30,612 (0.0196%) alleles from individuals of South Asian background in gnomAD Exomes and is novel (not in any individuals) in 1000 Genomes. This variant is predicted to cause loss of normal protein function through protein truncation. For these reasons, this variant has been classified as Likely Pathogenic.

Counsyl
Classification: Likely pathogenic for Medium-chain acyl-coenzyme A dehydrogenase deficiency. Last evaluated: 2017-11-07. Review status: no assertion criteria provided. Collection method: clinical testing. Allele origin: unknown. Not counted in ClinVar's aggregate classification.

Literature cited by the submitters: PubMed 16121256 (cited by Labcorp Genetics (formerly Invitae), Labcorp); PubMed 20434380 (cited by Labcorp Genetics (formerly Invitae), Labcorp); PubMed 40700042 (cited by Natera, Inc.); PubMed 29402417 (cited by Women's Health and Genetics/Laboratory Corporation of America, LabCorp).

NM_000016.6(ACADM):c.984del (p.Met328fs)

Gene: ACADM (acyl-CoA dehydrogenase medium chain; plus strand). Cytogenetic location: 1p31.1.
Variant type: Deletion.
Coding change: c.984del on transcript NM_000016.6 (MANE Select); coding-DNA position 984, one base deleted (G; older notation c.984delG).
Protein change: p.Met328fs; shifts the reading frame from methionine 328.
Molecular consequence: frameshift variant.
Genome position (GRCh38, 1-based): chr1:75,761,160, G deleted. VCF-style (leftmost placement, unchanged base first): chr1-75761159-TG-T. GRCh37 (hg19) VCF-style: chr1-76226844-TG-T.
Other names: c.996del, p.Met332fs (NM_001127328.3); c.876del, p.Met292fs (NM_001286042.2); c.1083del, p.Met361fs (NM_001286043.2); c.417del, p.Met139fs (NM_001286044.2); c.984delG (NM_000016.5, NM_000016.6); short protein forms M328fs, M332fs, M292fs, M139fs, M361fs.
Identifiers: ClinVar variation 226096 (VCV000226096.26), dbSNP rs747610156, ClinGen allele CA913260.
Genomic context (GRCh38, chr1:75,761,159, plus strand): 5'-AATTTTTTTCTTTTTAATTCTAGCACCAAGCAATATCATTTATGCTGGCTGAAATGGCAA[TG>T]AAAGTTGAACTAGCTAGAATGAGTTACCAGAGAGCAGCTTGGGAGGTTGATTCTGGTCGT-3'